The following is an entry in ClinVar:

NM_000059.4(BRCA2):c.2204dup (p.Ala736fs)

Gene: BRCA2 (BRCA2 DNA repair associated; plus strand). Cytogenetic location: 13q13.1.
Variant type: Duplication.
Coding change: c.2204dup on transcript NM_000059.4 (MANE Select); coding-DNA position 2204, one base duplicated (C; older notation c.2204dupC).
Protein change: p.Ala736fs; shifts the reading frame from alanine 736.
Molecular consequence: frameshift variant.
Genome position (GRCh38, 1-based): chr13:32,336,559, C duplicated. VCF-style (leftmost placement, unchanged base first): chr13-32336558-G-GC. GRCh37 (hg19) VCF-style: chr13-32910695-G-GC.
Other names: c.2204dupC (NM_000059.3); short protein forms A736fs.
Identifiers: ClinVar variation 1373716 (VCV001373716.7), dbSNP rs2137484206, ClinGen allele CA2573149369.

ClinVar aggregate classification (germline): Pathogenic. Review status: criteria provided, multiple submitters, no conflicts (2 of 4 stars). 2 submissions from 2 submitters: Pathogenic (2). Last evaluated 2025-02-16.

Conditions:
Hereditary cancer-predisposing syndrome. Also called: Neoplastic Syndromes, Hereditary; Tumor predisposition; Hereditary neoplastic syndrome; Hereditary Cancer Syndrome. Identifiers: Orphanet 140162, MedGen C0027672, MeSH D009386, MONDO:0015356.
Hereditary breast ovarian cancer syndrome. Also called: BRCA1- and BRCA2-Associated Hereditary Breast and Ovarian Cancer; Hereditary breast and ovarian cancer; Hereditary breast and ovarian cancer syndrome; Hereditary breast and/or ovarian cancer syndrome; Hereditary breast and ovarian cancer syndrome (HBOC); Breast and ovarian cancer. Identifiers: Orphanet 145, MedGen C0677776, MeSH D061325, MONDO:0003582. Disease mechanism: loss of function.

Submissions (2):

Labcorp Genetics (formerly Invitae), Labcorp
Classification: Pathogenic for Hereditary breast ovarian cancer syndrome. Last evaluated: 2025-02-16. Review status: criteria provided, single submitter. Criteria: Invitae Variant Classification Sherloc (09022015). Collection method: clinical testing. Allele origin: germline.
Comment: This sequence change creates a premature translational stop signal (p.Ala736Cysfs*15) in the BRCA2 gene. It is expected to result in an absent or disrupted protein product. Loss-of-function variants in BRCA2 are known to be pathogenic (PMID: 20104584). This variant is not present in population databases (gnomAD no frequency). This variant has not been reported in the literature in individuals affected with BRCA2-related conditions. ClinVar contains an entry for this variant (Variation ID: 1373716). For these reasons, this variant has been classified as Pathogenic.

Ambry Genetics
Classification: Pathogenic for Hereditary cancer-predisposing syndrome. Last evaluated: 2024-05-28. Review status: criteria provided, single submitter. Criteria: Ambry Variant Classification Scheme 2023. Collection method: clinical testing. Allele origin: germline.
Comment: The c.2204dupC pathogenic mutation, located in coding exon 10 of the BRCA2 gene, results from a duplication of C at nucleotide position 2204, causing a translational frameshift with a predicted alternate stop codon (p.A736Cfs*15). This alteration is expected to result in loss of function by premature protein truncation or nonsense-mediated mRNA decay. As such, this alteration is interpreted as a disease-causing mutation.

Literature cited by the submitters: PubMed 20104584 (cited by Labcorp Genetics (formerly Invitae), Labcorp).